The following is an entry in ClinVar:

NM_004260.4(RECQL4):c.1201G>A (p.Glu401Lys)

Gene: RECQL4 (RecQ like helicase 4; minus strand). Cytogenetic location: 8q24.3.
Variant type: single nucleotide variant.
Coding change: c.1201G>A on transcript NM_004260.4 (MANE Select); coding-DNA position 1201, G replaced by A.
Protein change: p.Glu401Lys; replaces glutamic acid 401 with lysine.
Molecular consequence: missense variant.
Genome position (GRCh38, 1-based): chr8:144,515,821, C>T on the plus strand (G>A on the coding strand, the complement: RECQL4 is on the minus strand). VCF-style: chr8-144515821-C-T. GRCh37 (hg19) VCF-style: chr8-145741205-C-T.
Other names: c.1201G>A (NM_004260.3); c.1105G>A, p.Glu369Lys (NM_001413017.1, NM_001413020.1); c.1201G>A, p.Glu401Lys (NM_001413018.1, NM_001413019.1, NM_001413033.1 and 2 more transcripts); c.130G>A, p.Glu44Lys (NM_001413021.1, NM_001413022.1, NM_001413023.1 and 8 more transcripts); c.1072G>A, p.Glu358Lys (NM_001413025.1); c.68G>A, p.Gly23Glu (NM_001413027.1, NM_001413030.1, NM_001413031.1 and 2 more transcripts); c.850G>A, p.Glu284Lys (NM_001413029.1); short protein forms E284K, E358K, E369K, E401K, E44K, G23E.
Identifiers: ClinVar variation 2417461 (VCV002417461.7), dbSNP rs2130712867, ClinGen allele CA372687548.

ClinVar aggregate classification (germline): Uncertain significance. Review status: criteria provided, multiple submitters, no conflicts (2 of 4 stars). 2 submissions from 2 submitters: Uncertain significance (2). Last evaluated 2025-11-10.

Conditions:
Inborn genetic diseases. Identifiers: MedGen C0950123, MeSH D030342.
Baller-Gerold syndrome (BGS). Also called: CRANIOSYNOSTOSIS WITH RADIAL DEFECTS. Identifiers: Orphanet 1225, MedGen C0265308, MONDO:0009039, OMIM 218600.

Allele frequency attached by ClinVar (database versions not stated): gnomAD exomes below 0.00001.
gnomAD v4.1: 5 of 1,612,910 alleles (0.00031%); highest among the groups gnomAD compares: Non-Finnish European, 0.00042%; no homozygotes.

Submissions (2):

Labcorp Genetics (formerly Invitae), Labcorp
Classification: Uncertain significance for Baller-Gerold syndrome. Last evaluated: 2025-11-10. Review status: criteria provided, single submitter. Criteria: Invitae Variant Classification Sherloc (09022015). Collection method: clinical testing. Allele origin: germline.
Comment: This sequence change replaces glutamic acid, which is acidic and polar, with lysine, which is basic and polar, at codon 401 of the RECQL4 protein (p.Glu401Lys). This variant is not present in population databases (gnomAD no frequency). This variant has not been reported in the literature in individuals affected with RECQL4-related conditions. ClinVar contains an entry for this variant (Variation ID: 2417461). Invitae Evidence Modeling of protein sequence and biophysical properties (such as structural, functional, and spatial information, amino acid conservation, physicochemical variation, residue mobility, and thermodynamic stability) indicates that this missense variant is not expected to disrupt RECQL4 protein function with a negative predictive value of 80%. In summary, the available evidence is currently insufficient to determine the role of this variant in disease. Therefore, it has been classified as a Variant of Uncertain Significance.

Ambry Genetics
Classification: Uncertain significance for Inborn genetic diseases. Last evaluated: 2025-02-08. Review status: criteria provided, single submitter. Criteria: Ambry Variant Classification Scheme 2023. Collection method: clinical testing. Allele origin: germline.
Comment: The p.E401K variant (also known as c.1201G>A), located in coding exon 6 of the RECQL4 gene, results from a G to A substitution at nucleotide position 1201. The glutamic acid at codon 401 is replaced by lysine, an amino acid with similar properties. This amino acid position is conserved. In addition, this alteration is predicted to be tolerated by in silico analysis. Based on the available evidence, the clinical significance of this variant remains unclear.